The following is an entry in ClinVar:

ClinVar aggregate classification (germline): Conflicting classifications of pathogenicity. Review status: criteria provided, conflicting classifications (1 of 4 stars). 9 submissions from 9 submitters: Uncertain significance (4); Benign (1); Likely benign (4). Last evaluated 2025-11-17.

Conditions:
Multiple endocrine neoplasia type 2A. Also called: MULTIPLE ENDOCRINE NEOPLASIA, TYPE IIA; PTC SYNDROME; SIPPLE SYNDROME; MEN 2A; MEN-2A syndrome; Pheochromocytoma and amyloid producing medullary thyroid carcinoma. Identifiers: Orphanet 247698, Orphanet 653, MedGen C0025268, MeSH D018813, MONDO:0008234, OMIM 171400.
Pheochromocytoma. Also called: MAX-Related Hereditary Paraganglioma-Pheochromocytoma Syndrome. Identifiers: Orphanet 29072, MedGen C0031511, MONDO:0008233, OMIM 171300, HP:0002666.
Familial medullary thyroid carcinoma (MTC). Also called: Thyroid cancer, familial medullary; MTC, familial; Familial Medullary Thyroid Carcinoma (FMTC). Identifiers: Orphanet 653, Orphanet 99361, MedGen C1833921, MONDO:0007958, OMIM 155240.
Multiple endocrine neoplasia type 2B. Also called: MEN 2B; Multiple endocrine neoplasia, type 3; MULTIPLE ENDOCRINE NEOPLASIA, TYPE IIB; MUCOSAL NEUROMA SYNDROME; NEUROMATA, MUCOSAL, WITH ENDOCRINE TUMORS; WAGENMANN-FROBOESE SYNDROME. Identifiers: Orphanet 247709, Orphanet 653, MedGen C0025269, MeSH D018814, MONDO:0008082, OMIM 162300.
Hirschsprung disease, susceptibility to, 1 (HSCR1). Also called: RET-Related Hirschsprung Disease. Identifiers: Orphanet 388, MedGen C3888239, MONDO:0007723, OMIM 142623.
Hereditary cancer-predisposing syndrome. Also called: Neoplastic Syndromes, Hereditary; Tumor predisposition; Hereditary neoplastic syndrome; Hereditary Cancer Syndrome. Identifiers: Orphanet 140162, MedGen C0027672, MeSH D009386, MONDO:0015356.
Multiple endocrine neoplasia, type 2 (MEN2). Identifiers: Orphanet 653, MedGen C4048306, MONDO:0019003. Disease mechanism: gain of function.

Allele frequency attached by ClinVar (database versions not stated): gnomAD exomes 0.00001 and 0.00002; gnomAD 0.00003; ExAC 0.00002; TOPMed 0.00001.
gnomAD v4.1: 11 of 1,613,194 alleles (0.00068%); highest among the groups gnomAD compares: East Asian, 0.0067%; no homozygotes.

Submissions (9):

Labcorp Genetics (formerly Invitae), Labcorp
Classification: Uncertain significance for Multiple endocrine neoplasia, type 2. Last evaluated: 2025-11-17. Review status: criteria provided, single submitter. Criteria: Invitae Variant Classification Sherloc (09022015). Collection method: clinical testing. Allele origin: germline.
Comment: This sequence change replaces glutamic acid, which is acidic and polar, with lysine, which is basic and polar, at codon 623 of the RET protein (p.Glu623Lys). This variant is present in population databases (rs377767402, gnomAD 0.02%). This missense change has been observed in individual(s) with medullary thyroid cancer (PMID: 15858153). ClinVar contains an entry for this variant (Variation ID: 24906). An algorithm developed to predict the effect of missense changes on protein structure and function (PolyPhen-2) suggests that this variant is likely to be tolerated. In summary, the available evidence is currently insufficient to determine the role of this variant in disease. Therefore, it has been classified as a Variant of Uncertain Significance.

Color Diagnostics, LLC DBA Color Health
Classification: Likely benign for Multiple endocrine neoplasia, type 2. Last evaluated: 2025-06-25. Review status: criteria provided, single submitter. Criteria: ACMG Guidelines, 2015. Collection method: clinical testing. Allele origin: germline.

Myriad Genetics, Inc.
Classification: Likely benign for Multiple endocrine neoplasia type 2A. Last evaluated: 2024-08-09. Review status: criteria provided, single submitter. Criteria: Myriad Autosomal Dominant, Autosomal Recessive and X-Linked Classification Criteria (2023). Collection method: clinical testing. Allele origin: unknown.
Comment: This variant is considered likely benign. This variant has been observed at a population frequency that is significantly greater than expected given the associated disease prevalence and penetrance.

Fulgent Genetics
Classification: Uncertain significance for Hirschsprung disease, susceptibility to, 1; Familial medullary thyroid carcinoma; Multiple endocrine neoplasia type 2B; Pheochromocytoma; Multiple endocrine neoplasia type 2A. Last evaluated: 2024-04-08. Review status: criteria provided, single submitter. Criteria: ACMG Guidelines, 2015. Collection method: clinical testing. Allele origin: germline.

All of Us Research Program, National Institutes of Health
Classification: Uncertain significance for Multiple endocrine neoplasia, type 2. Last evaluated: 2024-03-28. Review status: criteria provided, single submitter. Criteria: ACMG Guidelines, 2015. Collection method: clinical testing. Allele origin: germline. Inheritance: Autosomal dominant inheritance. Observed: 1 variant allele, 1 heterozygote.
Comment: This study involves interpretation of variants in research participants for the purpose of population health screening. Participant phenotype was not available at the time of variant classification. Additional details can be found in publication PMID: 35346344, PMCID: PMC8962531

GeneDx
Classification: Uncertain significance. Last evaluated: 2024-03-08. Review status: criteria provided, single submitter. Criteria: GeneDx Variant Classification Process June 2021. Collection method: clinical testing. Allele origin: germline. Affected: yes.
Comment: Observed in a family with medullary thyroid carcinoma but did not segregate with disease, indicating that this variant is unlikely to be associated with increased risk for Multiple Endocrine Neoplasia type 2/Familial Medullary Thyroid Carcinoma (PMID: 15858153); In silico analysis supports that this missense variant does not alter protein structure/function; This variant is associated with the following publications: (PMID: 9068588, 16849421, 14633923, 32284345, 32091409, 15858153)

Blueprint Genetics
Classification: Likely benign. Last evaluated: 2023-06-06. Review status: criteria provided, single submitter. Criteria: ACMG Guidelines, 2015. Collection method: clinical testing. Allele origin: germline.

Mendelics
Classification: Likely benign for Multiple endocrine neoplasia type 2A. Last evaluated: 2019-05-28. Review status: criteria provided, single submitter. Criteria: Mendelics Assertion Criteria 2017. Collection method: clinical testing. Allele origin: unknown.

Ambry Genetics
Classification: Benign for Hereditary cancer-predisposing syndrome. Last evaluated: 2016-11-29. Review status: criteria provided, single submitter. Criteria: Ambry Variant Classification Scheme 2023. Collection method: clinical testing. Allele origin: germline.

Literature cited by the submitters: PubMed 15858153 (cited by Labcorp Genetics (formerly Invitae), Labcorp and Ambry Genetics); PubMed 16849421 (cited by Ambry Genetics).

NM_020975.6(RET):c.1867G>A (p.Glu623Lys)

Gene: RET (ret proto-oncogene; plus strand). Cytogenetic location: 10q11.21.
Variant type: single nucleotide variant.
Coding change: c.1867G>A on transcript NM_020975.6 (MANE Select); coding-DNA position 1867, G replaced by A.
Protein change: p.Glu623Lys; replaces glutamic acid 623 with lysine.
Molecular consequence: missense variant.
Genome position (GRCh38, 1-based): chr10:43,113,663, G>A. VCF-style: chr10-43113663-G-A. GRCh37 (hg19) VCF-style: chr10-43609111-G-A.
Other names: c.1867G>A, p.Glu623Lys (NM_000323.2, NM_001406743.1, NM_001406744.1 and 6 more transcripts); c.1105G>A, p.Glu369Lys (NM_001355216.2); c.1429G>A, p.Glu477Lys (NM_001406771.1, NM_001406773.1); c.1471G>A, p.Glu491Lys (NM_001406772.1, NM_001406769.1); c.1342G>A, p.Glu448Lys (NM_001406774.1); c.1141G>A, p.Glu381Lys (NM_001406775.1, NM_001406776.1, NM_001406777.1 and 1 more transcripts); c.970G>A, p.Glu324Lys (NM_001406779.1, NM_001406780.1, NM_001406781.1 and 2 more transcripts); c.418G>A, p.Glu140Lys (NM_001406792.1, NM_001406793.1, NM_001406794.1); and 5 more; short protein forms E369K, E293K, E381K, E448K, E491K, E477K, E527K, E580K.
Identifiers: ClinVar variation 24906 (VCV000024906.20), dbSNP rs377767402, ClinGen allele CA008114.